The following is an entry in ClinVar:

ClinVar aggregate classification (germline): Uncertain significance (1 of 4 stars; one submission).

Conditions:
Achondrogenesis, type IA (ACG1A). Identifiers: Orphanet 932, Orphanet 93299, MedGen C0265273, MONDO:0008701, OMIM 200600.

Allele frequency attached by ClinVar (database versions not stated): gnomAD exomes below 0.00001 and 0.00001; ExAC 0.00001.
gnomAD v4.1: 2 of 1,610,280 alleles (0.00012%); highest among the groups gnomAD compares: Middle Eastern, 0.017%; no homozygotes.

Submission:

Labcorp Genetics (formerly Invitae), Labcorp
Classification: Uncertain significance for Achondrogenesis, type IA. Last evaluated: 2022-07-12. Review status: criteria provided, single submitter. Criteria: Invitae Variant Classification Sherloc (09022015). Collection method: clinical testing. Allele origin: germline.
Comment: This sequence change affects codon 1720 of the TRIP11 mRNA. It is a 'silent' change, meaning that it does not change the encoded amino acid sequence of the TRIP11 protein. This variant also falls at the last nucleotide of exon 15, which is part of the consensus splice site for this exon. This variant is present in population databases (rs779414041, gnomAD 0.003%). This variant has not been reported in the literature in individuals affected with TRIP11-related conditions. In summary, the available evidence is currently insufficient to determine the role of this variant in disease. Therefore, it has been classified as a Variant of Uncertain Significance. ClinVar contains an entry for this variant (Variation ID: 1489351). Variants that disrupt the consensus splice site are a relatively common cause of aberrant splicing (PMID: 17576681, 9536098). Algorithms developed to predict the effect of sequence changes on RNA splicing suggest that this variant is not likely to affect RNA splicing.

Literature cited by the submitters: PubMed 17576681; PubMed 9536098.

NM_004239.4(TRIP11):c.5160G>A (p.Gln1720=)

Gene: TRIP11 (thyroid hormone receptor interactor 11; minus strand). Cytogenetic location: 14q32.12.
Variant type: single nucleotide variant.
Coding change: c.5160G>A on transcript NM_004239.4 (MANE Select); coding-DNA position 5160, G replaced by A.
Protein change: p.Gln1720=; no amino-acid change (glutamine 1720 retained).
Molecular consequence: synonymous variant.
Genome position (GRCh38, 1-based): chr14:91,993,809, C>T on the plus strand (G>A on the coding strand, the complement: TRIP11 is on the minus strand). VCF-style: chr14-91993809-C-T. GRCh37 (hg19) VCF-style: chr14-92460153-C-T.
Other names: c.5157G>A, p.Gln1719= (NM_001321851.1).
Identifiers: ClinVar variation 1489351 (VCV001489351.6), dbSNP rs779414041, ClinGen allele CA7313272.